The following is an entry in ClinVar:

ClinVar aggregate classification (germline): Uncertain significance (1 of 4 stars; one submission).

Conditions:
Gastrointestinal stromal tumor. Also called: Gastrointestinal stromal tumor, somatic; Gastrointestinal stroma tumor. Identifiers: Orphanet 44890, MedGen C0238198, MeSH D046152, MONDO:0011719, OMIM 606764, HP:0100723.

Submission:

Labcorp Genetics (formerly Invitae), Labcorp
Classification: Uncertain significance for Gastrointestinal stromal tumor. Last evaluated: 2024-07-13. Review status: criteria provided, single submitter. Criteria: Invitae Variant Classification Sherloc (09022015). Collection method: clinical testing. Allele origin: germline.
Comment: This sequence change replaces aspartic acid, which is acidic and polar, with tyrosine, which is neutral and polar, at codon 332 of the KIT protein (p.Asp332Tyr). This variant is not present in population databases (gnomAD no frequency). This variant has not been reported in the literature in individuals affected with KIT-related conditions. An algorithm developed to predict the effect of missense changes on protein structure and function (PolyPhen-2) suggests that this variant is likely to be disruptive. In summary, the available evidence is currently insufficient to determine the role of this variant in disease. Therefore, it has been classified as a Variant of Uncertain Significance.

NM_000222.3(KIT):c.994G>T (p.Asp332Tyr)

Gene: KIT (KIT proto-oncogene, receptor tyrosine kinase; plus strand). Cytogenetic location: 4q12.
Variant type: single nucleotide variant.
Coding change: c.994G>T on transcript NM_000222.3 (MANE Select); coding-DNA position 994, G replaced by T.
Protein change: p.Asp332Tyr; replaces aspartic acid 332 with tyrosine.
Molecular consequence: missense variant.
Genome position (GRCh38, 1-based): chr4:54,707,166, G>T. VCF-style: chr4-54707166-G-T. GRCh37 (hg19) VCF-style: chr4-55573332-G-T.
Other names: c.994G>T, p.Asp332Tyr (NM_001093772.2, NM_001385285.1, NM_001385286.1); c.997G>T, p.Asp333Tyr (NM_001385284.1, NM_001385288.1, NM_001385290.1 and 1 more transcripts); short protein forms D332Y, D333Y.
Identifiers: ClinVar variation 3683574 (VCV003683574.2).